The following is an entry in ClinVar:

NM_004171.4(SLC1A2):c.682A>T (p.Met228Leu)

Gene: SLC1A2 (solute carrier family 1 member 2; minus strand). Cytogenetic location: 11p13.
Variant type: single nucleotide variant.
Coding change: c.682A>T on transcript NM_004171.4 (MANE Select); coding-DNA position 682, A replaced by T.
Protein change: p.Met228Leu; replaces methionine 228 with leucine.
Molecular consequence: missense variant.
Genome position (GRCh38, 1-based): chr11:35,306,122, T>A on the plus strand (A>T on the coding strand, the complement: SLC1A2 is on the minus strand). VCF-style: chr11-35306122-T-A. GRCh37 (hg19) VCF-style: chr11-35327669-T-A.
Other names: c.655A>T, p.Met219Leu (NM_001195728.3, NM_001252652.2); short protein forms M228L, M219L.
Identifiers: ClinVar variation 2126702 (VCV002126702.4), dbSNP rs2497859317, ClinGen allele CA380127785.
Genomic context (GRCh38, chr11:35,306,122, plus strand): 5'-CAGCTGGCCTACCTAAGACGTTCATCCCATCCTTGAACTCCAGGCCCTTCTTGATAACCA[T>A]CTTAGTCTCCTCCGGCACCTCAGTCACAGTCTCGTTCAACAGAGAGACAACAGCGCTGGT-3'
Protein context (NP_004162.2, residues 218-238): TVTEVPEETK[Met228Leu]VIKKGLEFKD

ClinVar aggregate classification (germline): Uncertain significance (1 of 4 stars; one submission).

Submission:

Labcorp Genetics (formerly Invitae), Labcorp
Classification: Uncertain significance. Last evaluated: 2022-04-16. Review status: criteria provided, single submitter. Criteria: Invitae Variant Classification Sherloc (09022015). Collection method: clinical testing. Allele origin: germline.
Comment: This sequence change replaces methionine, which is neutral and non-polar, with leucine, which is neutral and non-polar, at codon 228 of the SLC1A2 protein (p.Met228Leu). This variant is not present in population databases (gnomAD no frequency). This variant has not been reported in the literature in individuals affected with SLC1A2-related conditions. Algorithms developed to predict the effect of missense changes on protein structure and function output the following: SIFT: "Tolerated"; PolyPhen-2: "Benign"; Align-GVGD: "Class C0". The leucine amino acid residue is found in multiple mammalian species, which suggests that this missense change does not adversely affect protein function. In summary, the available evidence is currently insufficient to determine the role of this variant in disease. Therefore, it has been classified as a Variant of Uncertain Significance.